The following is an entry in ClinVar:

ClinVar aggregate classification (germline): Pathogenic/Likely pathogenic. Review status: criteria provided, multiple submitters, no conflicts (2 of 4 stars). 2 submissions from 2 submitters: Pathogenic (1); Likely pathogenic (1). Last evaluated 2021-02-01.

Submissions (2):

CeGaT Center for Human Genetics Tuebingen
Classification: Likely pathogenic. Last evaluated: 2021-02-01. Review status: criteria provided, single submitter. Criteria: CeGaT Center For Human Genetics Tuebingen Variant Classification Criteria Version 2. Collection method: clinical testing. Allele origin: germline. Affected: yes. Observed: 2 variant alleles.

Labcorp Genetics (formerly Invitae), Labcorp
Classification: Pathogenic. Last evaluated: 2018-04-09. Review status: criteria provided, single submitter. Criteria: Invitae Variant Classification Sherloc (09022015). Collection method: clinical testing. Allele origin: germline.
Comment: This sequence change creates a premature translational stop signal (p.Gly318Glnfs*16) in the CTCF gene. It is expected to result in an absent or disrupted protein product. This variant is not present in population databases (ExAC no frequency). This variant has not been reported in the literature in individuals with CTCF-related disease. Loss-of-function variants in CTCF are known to be pathogenic (PMID: 23746550, 28619046). For these reasons, this variant has been classified as Pathogenic.

Literature cited by the submitters: PubMed 23746550 (cited by Labcorp Genetics (formerly Invitae), Labcorp); PubMed 28619046 (cited by Labcorp Genetics (formerly Invitae), Labcorp).

NM_006565.4(CTCF):c.950_951dup (p.Gly318fs)

Gene: CTCF (CCCTC-binding factor; plus strand). Cytogenetic location: 16q22.1.
Variant type: Microsatellite.
Coding change: c.950_951dup on transcript NM_006565.4 (MANE Select); coding-DNA positions 950 to 951, 2 bases duplicated (CA; older notation c.950_951dupCA).
Protein change: p.Gly318fs; shifts the reading frame from glycine 318.
Molecular consequence: frameshift variant. On other transcripts: intron variant (1).
Genome position (GRCh38, 1-based): chr16:67,612,119-67,612,120, CA duplicated; duplicating any 2 consecutive bases within chr16:67,612,110-67,612,120 gives the same sequence; the c. name uses the placement nearest the transcript's 3' end. VCF-style (leftmost placement, unchanged base first): chr16-67612109-A-AAC. GRCh37 (hg19) VCF-style: chr16-67646012-A-AAC.
Other names: c.942_943CA[6], p.Gly318Glnfs (NM_001363916.2); c.-32-4635AC[6] (NM_001191022.2); short protein forms G318fs.
Identifiers: ClinVar variation 1072569 (VCV001072569.37), dbSNP rs1470210640, ClinGen allele CA645598169.